The following is an entry in ClinVar:

ClinVar aggregate classification (germline): Conflicting classifications of pathogenicity. Review status: criteria provided, conflicting classifications (1 of 4 stars). 3 submissions from 3 submitters: Uncertain significance (2); Likely benign (1). Last evaluated 2026-08-05.

Conditions:
Multiple congenital exostosis (EXT). Also called: MULTIPLE CARTILAGINOUS EXOSTOSES; Multiple osteochondromas; Hereditary multiple osteochondromas; Multiple exostoses; Hereditary multiple exostoses; Hereditary multiple exostosis. Identifiers: Orphanet 321, MedGen C0015306, MONDO:0005508, HP:0002762.
EXT1-related disorder. Also called: EXT1-related condition.
Chondrosarcoma. Also called: Chondrosarcoma, somatic. Identifiers: Orphanet 55880, MedGen C0008479, MONDO:0008977, OMIM 215300, HP:0006765.

Allele frequency attached by ClinVar (database versions not stated): ExAC 0.00001; gnomAD exomes 0.00001; ESP Exome Variant Server 0.00015.
gnomAD v4.1: 8 of 1,613,206 alleles (0.0005%); highest among the groups gnomAD compares: Non-Finnish European, 0.00068%; no homozygotes.

Submissions (3):

PreventionGenetics, part of Exact Sciences
Classification: Uncertain significance for EXT1-related condition. Last evaluated: 2026-08-05. Review status: criteria provided, single submitter. Criteria: ACMG Guidelines, 2015. Collection method: clinical testing. Allele origin: germline.
Comment: The EXT1 c.1486C>T variant is predicted to result in the amino acid substitution p.Pro496Ser. To our knowledge, this variant has not been reported in the literature. This variant is reported in 0.0018% of alleles in individuals of European (Non-Finnish) descent in gnomAD. This variant has conflicting interpretations in ClinVar ranging from uncertain to likely benign (Variation ID: 2143012). At this time, the clinical significance of this variant is uncertain due to the absence of conclusive functional and genetic evidence.

Labcorp Genetics (formerly Invitae), Labcorp
Classification: Likely benign for Multiple congenital exostosis. Last evaluated: 2024-10-25. Review status: criteria provided, single submitter. Criteria: Invitae Variant Classification Sherloc (09022015). Collection method: clinical testing. Allele origin: germline.

Baylor Genetics
Classification: Uncertain significance for Chondrosarcoma. Last evaluated: 2023-09-13. Review status: criteria provided, single submitter. Criteria: ACMG Guidelines, 2015. Collection method: clinical testing. Allele origin: unknown.

NM_000127.3(EXT1):c.1486C>T (p.Pro496Ser)

Gene: EXT1 (exostosin glycosyltransferase 1; minus strand). Cytogenetic location: 8q24.11.
Variant type: single nucleotide variant.
Coding change: c.1486C>T on transcript NM_000127.3 (MANE Select); coding-DNA position 1486, C replaced by T.
Protein change: p.Pro496Ser; replaces proline 496 with serine.
Molecular consequence: missense variant.
Genome position (GRCh38, 1-based): chr8:117,819,726, G>A on the plus strand (C>T on the coding strand, the complement: EXT1 is on the minus strand). VCF-style: chr8-117819726-G-A. GRCh37 (hg19) VCF-style: chr8-118831965-G-A.
Other names: short protein forms P496S.
Identifiers: ClinVar variation 2143012 (VCV002143012.6), dbSNP rs139784916, ClinGen allele CA4854126.
Genomic context (GRCh38, chr8:117,819,726, plus strand): 5'-TCCCGCTCACCTGGGCACAGTACTGGGACTTGGCTGCAGCCACGAGAAGCTTCAACACTG[G>A]CTGGGACTGAGAGACCAGGGGGGTCACCGCATGGATGACTGCAGTGAATTTGGAGGGGGG-3'
Protein context (NP_000118.2, residues 486-506): AVTPLVSQSQ[Pro496Ser]VLKLLVAAAK